The following is an entry in ClinVar:

NM_015161.3(ARL6IP1):c.391G>A (p.Glu131Lys)

Gene: ARL6IP1 (ARL6 interacting reticulophagy regulator 1; minus strand). Cytogenetic location: 16p12.3.
Variant type: single nucleotide variant.
Coding change: c.391G>A on transcript NM_015161.3 (MANE Select); coding-DNA position 391, G replaced by A.
Protein change: p.Glu131Lys; replaces glutamic acid 131 with lysine.
Molecular consequence: missense variant.
Genome position (GRCh38, 1-based): chr16:18,795,481, C>T on the plus strand (G>A on the coding strand, the complement: ARL6IP1 is on the minus strand). VCF-style: chr16-18795481-C-T. GRCh37 (hg19) VCF-style: chr16-18806803-C-T.
Other names: c.304G>A, p.Glu102Lys (NM_001313858.1); short protein forms E102K, E131K.
Identifiers: ClinVar variation 2135617 (VCV002135617.4), dbSNP rs2506661231, ClinGen allele CA394910114.

ClinVar aggregate classification (germline): Uncertain significance (1 of 4 stars; one submission).

Conditions:
Hereditary spastic paraplegia 61. Also called: Spastic paraplegia 61, autosomal recessive. Identifiers: Orphanet 401780, MedGen C3810294, MONDO:0014304, OMIM 615685.

Submission:

Labcorp Genetics (formerly Invitae), Labcorp
Classification: Uncertain significance for Hereditary spastic paraplegia 61. Last evaluated: 2024-10-18. Review status: criteria provided, single submitter. Criteria: Invitae Variant Classification Sherloc (09022015). Collection method: clinical testing. Allele origin: germline.
Comment: This sequence change replaces glutamic acid, which is acidic and polar, with lysine, which is basic and polar, at codon 131 of the ARL6IP1 protein (p.Glu131Lys). This variant is not present in population databases (gnomAD no frequency). This variant has not been reported in the literature in individuals affected with ARL6IP1-related conditions. ClinVar contains an entry for this variant (Variation ID: 2135617). An algorithm developed to predict the effect of missense changes on protein structure and function (PolyPhen-2) suggests that this variant is likely to be tolerated. In summary, the available evidence is currently insufficient to determine the role of this variant in disease. Therefore, it has been classified as a Variant of Uncertain Significance.